The following is an entry in ClinVar:

NM_001135146.2(SLC39A8):c.730C>T (p.Gln244Ter)

Gene: SLC39A8 (solute carrier family 39 member 8; minus strand). Cytogenetic location: 4q24.
Variant type: single nucleotide variant.
Coding change: c.730C>T on transcript NM_001135146.2 (MANE Select); coding-DNA position 730, C replaced by T.
Protein change: p.Gln244Ter; replaces glutamine 244 with a stop codon.
Molecular consequence: nonsense.
Genome position (GRCh38, 1-based): chr4:102,304,427, G>A on the plus strand (C>T on the coding strand, the complement: SLC39A8 is on the minus strand). VCF-style: chr4-102304427-G-A. GRCh37 (hg19) VCF-style: chr4-103225584-G-A.
Other names: c.730C>T, p.Gln244Ter (NM_001135147.1, NM_022154.5); c.529C>T, p.Gln177Ter (NM_001135148.2); short protein forms Q177*, Q244*.
Identifiers: ClinVar variation 3777329 (VCV003777329.2).

ClinVar aggregate classification (germline): Uncertain significance (1 of 4 stars; one submission).

Submission:

GeneDx
Classification: Uncertain significance. Last evaluated: 2025-11-10. Review status: criteria provided, single submitter. Criteria: GeneDx Variant Classification Process June 2021. Collection method: clinical testing. Allele origin: germline.
Comment: Not observed at significant frequency in large population cohorts (gnomAD); Nonsense variant predicted to result in protein truncation or nonsense mediated decay in a gene or region of a gene for which loss of function is not a well-established mechanism of disease; Has not been previously published as pathogenic or benign to our knowledge